The following is an entry in ClinVar:

ClinVar aggregate classification (germline): Conflicting classifications of pathogenicity. Review status: criteria provided, conflicting classifications (1 of 4 stars). 4 submissions from 4 submitters: Uncertain significance (1); Benign (1); Likely benign (1). 1 of the submissions does not count toward it. Last evaluated 2025-09-02.

Conditions:
Inborn genetic diseases. Identifiers: MedGen C0950123, MeSH D030342.
GRN-related frontotemporal lobar degeneration with Tdp43 inclusions (FTD2). Also called: FRONTOTEMPORAL LOBAR DEGENERATION WITH UBIQUITIN-POSITIVE INCLUSIONS; FTLD-TDP, GRN-RELATED; DEMENTIA, HEREDITARY DYSPHASIC DISINHIBITION; FRONTOTEMPORAL DEMENTIA WITH TDP43 INCLUSIONS, GRN-RELATED; GRN Frontotemporal Dementia. Identifiers: Orphanet 100070, Orphanet 282, MedGen C1843792, MONDO:0011842, OMIM 607485. Disease mechanism: loss of function.
Neuronal ceroid lipofuscinosis 11. Also called: GRN-Related Neuronal Ceroid-Lipofuscinosis. Identifiers: Orphanet 314629, Orphanet 79262, MedGen C3539123, MONDO:0013866, OMIM 614706.
GRN-related disorder. Also called: GRN-related condition; GRN-related disorders.

Allele frequency attached by ClinVar (database versions not stated): gnomAD exomes 0.00003 and 0.00012; 1000 Genomes Project 30x 0.00016; ExAC 0.00017; gnomAD 0.00052 and 0.00058; TOPMed 0.00059; ESP Exome Variant Server 0.00062.

Submissions (4):

Labcorp Genetics (formerly Invitae), Labcorp
Classification: Likely benign for Neuronal ceroid lipofuscinosis 11; GRN-related frontotemporal lobar degeneration with Tdp43 inclusions. Last evaluated: 2025-09-02. Review status: criteria provided, single submitter. Criteria: Invitae Variant Classification Sherloc (09022015). Collection method: clinical testing. Allele origin: germline.

Athena Diagnostics
Classification: Benign. Last evaluated: 2018-11-26. Review status: criteria provided, single submitter. Criteria: Athena Diagnostics Criteria. Collection method: clinical testing. Allele origin: germline.

Ambry Genetics
Classification: Uncertain significance for Inborn genetic diseases. Last evaluated: 2018-09-08. Review status: criteria provided, single submitter. Criteria: Ambry Variant Classification Scheme 2023. Collection method: clinical testing. Allele origin: germline.
Comment: The p.P85A variant (also known as c.253C>G), located in coding exon 2 of the GRN gene, results from a C to G substitution at nucleotide position 253. The proline at codon 85 is replaced by alanine, an amino acid with highly similar properties. This amino acid position is highly conserved in available vertebrate species. In addition, the in silico prediction for this alteration is inconclusive. Since supporting evidence is limited at this time, the clinical significance of this alteration remains unclear.

PreventionGenetics, part of Exact Sciences
Classification: Likely benign for GRN-related condition. Last evaluated: 2022-09-07. Review status: no assertion criteria provided. Collection method: clinical testing. Allele origin: germline. Not counted in ClinVar's aggregate classification.
Comment: This variant is classified as likely benign based on ACMG/AMP sequence variant interpretation guidelines (Richards et al. 2015 PMID: 25741868, with internal and published modifications).

Literature cited by the submitters: PubMed 23759146 (cited by Athena Diagnostics); PubMed 22312439 (cited by Athena Diagnostics).

NM_002087.4(GRN):c.253C>G (p.Pro85Ala)

Gene: GRN (granulin precursor; plus strand). Cytogenetic location: 17q21.31.
Variant type: single nucleotide variant.
Coding change: c.253C>G on transcript NM_002087.4 (MANE Select); coding-DNA position 253, C replaced by G.
Protein change: p.Pro85Ala; replaces proline 85 with alanine.
Molecular consequence: missense variant.
Genome position (GRCh38, 1-based): chr17:44,349,540, C>G. VCF-style: chr17-44349540-C-G. GRCh37 (hg19) VCF-style: chr17-42426908-C-G.
Other names: c.253C>G (NM_002087.3); short protein forms P85A.
Identifiers: ClinVar variation 805122 (VCV000805122.13), dbSNP rs143560849, ClinGen allele CA8601798.